The following is an entry in ClinVar:

ClinVar aggregate classification (germline): Benign/Likely benign. Review status: criteria provided, multiple submitters, no conflicts (2 of 4 stars). 3 submissions from 3 submitters: Benign (1); Likely benign (2). Last evaluated 2024-07-12.

Conditions:
Hereditary cancer-predisposing syndrome. Also called: Tumor predisposition; Neoplastic Syndromes, Hereditary; Hereditary Cancer Syndrome; Hereditary neoplastic syndrome. Identifiers: Orphanet 140162, MedGen C0027672, MeSH D009386, MONDO:0015356.
BAP1-related tumor predisposition syndrome (TPDS1). Also called: Tumor susceptibility linked to germline BAP1 mutations; BAP1 tumor predisposition syndrome; COMMON Syndrome; TUMOR PREDISPOSITION SYNDROME 1. Identifiers: Orphanet 289539, MedGen C3280492, MONDO:0013692, OMIM 614327.

Submissions (3):

Myriad Genetics, Inc.
Classification: Benign for BAP1-related tumor predisposition syndrome. Last evaluated: 2024-07-12. Review status: criteria provided, single submitter. Criteria: Myriad Autosomal Dominant, Autosomal Recessive and X-Linked Classification Criteria (2023). Collection method: clinical testing. Allele origin: unknown.
Comment: This variant is considered benign. This variant is a silent/synonymous amino acid change and it is not expected to impact splicing.

Labcorp Genetics (formerly Invitae), Labcorp
Classification: Likely benign for BAP1-related tumor predisposition syndrome. Last evaluated: 2024-04-11. Review status: criteria provided, single submitter. Criteria: Invitae Variant Classification Sherloc (09022015). Collection method: clinical testing. Allele origin: germline.

Ambry Genetics
Classification: Likely benign for Hereditary cancer-predisposing syndrome. Last evaluated: 2022-03-05. Review status: criteria provided, single submitter. Criteria: Ambry Variant Classification Scheme 2023. Collection method: clinical testing. Allele origin: germline.

NM_004656.4(BAP1):c.474C>T (p.Gly158=)

Gene: BAP1 (BRCA1 associated deubiquitinase 1; minus strand). Cytogenetic location: 3p21.1.
Variant type: single nucleotide variant.
Coding change: c.474C>T on transcript NM_004656.4 (MANE Select); coding-DNA position 474, C replaced by T.
Protein change: p.Gly158=; no amino-acid change (glycine 158 retained).
Molecular consequence: synonymous variant.
Genome position (GRCh38, 1-based): chr3:52,407,280, G>A on the plus strand (C>T on the coding strand, the complement: BAP1 is on the minus strand). VCF-style: chr3-52407280-G-A. GRCh37 (hg19) VCF-style: chr3-52441296-G-A.
Identifiers: ClinVar variation 1643725 (VCV001643725.11), dbSNP rs2153227849, ClinGen allele CA433777258.